The following is an entry in ClinVar:

ClinVar aggregate classification (germline): Uncertain significance (1 of 4 stars; one submission).

Conditions:
Propionic acidemia (PROP). Also called: KETOTIC HYPERGLYCINEMIA; GLYCINEMIA, KETOTIC; HYPERGLYCINEMIA WITH KETOACIDOSIS AND LEUKOPENIA. Identifiers: Orphanet 35, MedGen C0268579, MONDO:0011628, OMIM 606054, HP:0003571.

Submission:

Labcorp Genetics (formerly Invitae), Labcorp
Classification: Uncertain significance for Propionic acidemia. Last evaluated: 2022-07-26. Review status: criteria provided, single submitter. Criteria: Invitae Variant Classification Sherloc (09022015). Collection method: clinical testing. Allele origin: germline.
Comment: This sequence change replaces asparagine, which is neutral and polar, with serine, which is neutral and polar, at codon 115 of the PCCB protein (p.Asn115Ser). This variant is not present in population databases (gnomAD no frequency). This variant has not been reported in the literature in individuals affected with PCCB-related conditions. ClinVar contains an entry for this variant (Variation ID: 1413743). Advanced modeling of protein sequence and biophysical properties (such as structural, functional, and spatial information, amino acid conservation, physicochemical variation, residue mobility, and thermodynamic stability) performed at Invitae indicates that this missense variant is not expected to disrupt PCCB protein function. In summary, the available evidence is currently insufficient to determine the role of this variant in disease. Therefore, it has been classified as a Variant of Uncertain Significance.

NM_000532.5(PCCB):c.344A>G (p.Asn115Ser)

Gene: PCCB (propionyl-CoA carboxylase subunit beta; plus strand). Cytogenetic location: 3q22.3.
Variant type: single nucleotide variant.
Coding change: c.344A>G on transcript NM_000532.5 (MANE Select); coding-DNA position 344, A replaced by G.
Protein change: p.Asn115Ser; replaces asparagine 115 with serine.
Molecular consequence: missense variant.
Genome position (GRCh38, 1-based): chr3:136,256,595, A>G. VCF-style: chr3-136256595-A-G. GRCh37 (hg19) VCF-style: chr3-135975437-A-G.
Other names: c.344A>G, p.Asn115Ser (NM_001178014.2); short protein forms N115S.
Identifiers: ClinVar variation 1413743 (VCV001413743.5), dbSNP rs2108138282, ClinGen allele CA354738716.
Genomic context (GRCh38, chr3:136,256,595, plus strand): 5'-TTTTTGCATTTTTCTGGTAGTTTCCTGGAGACAGCGTGGTCACTGGACGAGGCCGAATCA[A>G]TGGAAGATTGGTTTATGTCTTCAGTCAGGTATTTCATAACTCCAATAGTCTGAACTTTTC-3'
Protein context (NP_000523.2, residues 105-125): DSVVTGRGRI[Asn115Ser]GRLVYVFSQD